The following is an entry in ClinVar:

NM_021930.6(RINT1):c.310C>G (p.Arg104Gly)

Gene: RINT1 (RAD50 interactor 1; plus strand). Cytogenetic location: 7q22.3.
Variant type: single nucleotide variant.
Coding change: c.310C>G on transcript NM_021930.6 (MANE Select); coding-DNA position 310, C replaced by G.
Protein change: p.Arg104Gly; replaces arginine 104 with glycine.
Molecular consequence: missense variant. On other transcripts: 5 prime UTR variant (3), non-coding transcript variant (1).
Genome position (GRCh38, 1-based): chr7:105,542,444, C>G. VCF-style: chr7-105542444-C-G. GRCh37 (hg19) VCF-style: chr7-105182891-C-G.
Other names: c.76C>G, p.Arg26Gly (NM_001346599.2); c.-710C>G (NM_001346600.2); c.-613C>G (NM_001346601.2); c.-233C>G (NM_001346603.2); short protein forms R104G, R26G.
Identifiers: ClinVar variation 849203 (VCV000849203.11), dbSNP rs777242801, ClinGen allele CA4426400.

ClinVar aggregate classification (germline): Uncertain significance. Review status: criteria provided, multiple submitters, no conflicts (2 of 4 stars). 2 submissions from 2 submitters: Uncertain significance (2). Last evaluated 2024-10-23.

Allele frequency attached by ClinVar (database versions not stated): TOPMed 0.00005.

Submissions (2):

Labcorp Genetics (formerly Invitae), Labcorp
Classification: Uncertain significance. Last evaluated: 2024-10-23. Review status: criteria provided, single submitter. Criteria: Invitae Variant Classification Sherloc (09022015). Collection method: clinical testing. Allele origin: germline.
Comment: This sequence change replaces arginine, which is basic and polar, with glycine, which is neutral and non-polar, at codon 104 of the RINT1 protein (p.Arg104Gly). This variant is present in population databases (rs777242801, gnomAD 0.003%). This variant has not been reported in the literature in individuals affected with RINT1-related conditions. ClinVar contains an entry for this variant (Variation ID: 849203). An algorithm developed to predict the effect of missense changes on protein structure and function (PolyPhen-2) suggests that this variant is likely to be tolerated. In summary, the available evidence is currently insufficient to determine the role of this variant in disease. Therefore, it has been classified as a Variant of Uncertain Significance.

Ambry Genetics
Classification: Uncertain significance. Last evaluated: 2024-09-30. Review status: criteria provided, single submitter. Criteria: Ambry Variant Classification Scheme 2023. Collection method: clinical testing. Allele origin: germline.
Comment: The p.R104G variant (also known as c.310C>G), located in coding exon 4 of the RINT1 gene, results from a C to G substitution at nucleotide position 310. The arginine at codon 104 is replaced by glycine, an amino acid with dissimilar properties. This amino acid position is poorly conserved in available vertebrate species. In addition, this alteration is predicted to be tolerated by in silico analysis. Since supporting evidence is limited at this time, the clinical significance of this alteration remains unclear.